The following is an entry in ClinVar:

ClinVar aggregate classification (germline): Uncertain significance (1 of 4 stars; one submission).

Conditions:
COG1 congenital disorder of glycosylation (CDG2G). Also called: CDG IIg; CDGII/COG1 CEREBROCOSTOMANDIBULAR-LIKE SYNDROME; CONGENITAL DISORDER OF GLYCOSYLATION, TYPE IIg. Identifiers: Orphanet 263508, MedGen C2931011, MONDO:0012637, OMIM 611209.

Submission:

Labcorp Genetics (formerly Invitae), Labcorp
Classification: Uncertain significance for COG1 congenital disorder of glycosylation. Last evaluated: 2023-10-03. Review status: criteria provided, single submitter. Criteria: Invitae Variant Classification Sherloc (09022015). Collection method: clinical testing. Allele origin: germline.
Comment: This sequence change replaces arginine, which is basic and polar, with leucine, which is neutral and non-polar, at codon 91 of the COG1 protein (p.Arg91Leu). This variant is not present in population databases (gnomAD no frequency). This variant has not been reported in the literature in individuals affected with COG1-related conditions. ClinVar contains an entry for this variant (Variation ID: 2122608). Advanced modeling of protein sequence and biophysical properties (such as structural, functional, and spatial information, amino acid conservation, physicochemical variation, residue mobility, and thermodynamic stability) performed at Invitae indicates that this missense variant is not expected to disrupt COG1 protein function. In summary, the available evidence is currently insufficient to determine the role of this variant in disease. Therefore, it has been classified as a Variant of Uncertain Significance.

NM_018714.3(COG1):c.272G>T (p.Arg91Leu)

Genes: COG1 (component of oligomeric golgi complex 1; plus strand), LOC130061577 (ATAC-STARR-seq lymphoblastoid silent region 8921; plus strand). Cytogenetic location: 17q25.1.
Variant type: single nucleotide variant.
Coding change: c.272G>T on transcript NM_018714.3 (MANE Select); coding-DNA position 272, G replaced by T.
Protein change: p.Arg91Leu; replaces arginine 91 with leucine.
Molecular consequence: missense variant.
Genome position (GRCh38, 1-based): chr17:73,193,341, G>T. VCF-style: chr17-73193341-G-T. GRCh37 (hg19) VCF-style: chr17-71189480-G-T.
Other names: short protein forms R91L.
Identifiers: ClinVar variation 2122608 (VCV002122608.4), dbSNP rs865958513, ClinGen allele CA293797178.